The following is an entry in ClinVar:

NM_021620.4(PRDM13):c.1624G>T (p.Asp542Tyr)

Gene: PRDM13 (PR/SET domain 13; plus strand). Cytogenetic location: 6q16.2.
Variant type: single nucleotide variant.
Coding change: c.1624G>T on transcript NM_021620.4 (MANE Select); coding-DNA position 1624, G replaced by T.
Protein change: p.Asp542Tyr; replaces aspartic acid 542 with tyrosine.
Molecular consequence: missense variant.
Genome position (GRCh38, 1-based): chr6:99,614,259, G>T. VCF-style: chr6-99614259-G-T. GRCh37 (hg19) VCF-style: chr6-100062135-G-T.
Other names: short protein forms D542Y.
Identifiers: ClinVar variation 1471732 (VCV001471732.8), dbSNP rs2114501315, ClinGen allele CA365120455.
Genomic context (GRCh38, chr6:99,614,259, plus strand): 5'-ATCGCCATGCACAATCAGCAGCTGTCCGAGATGGCTGCCGGGAAGGGTCGCGGACGCCTG[G>T]ACTCGGGGACGTTGCCACCGGCCGTCGCGGCGGCGGGAGGCACCGGGGGCGGCGGCAGCG-3'
Protein context (NP_067633.2, residues 532-552): MAAGKGRGRL[Asp542Tyr]SGTLPPAVAA

ClinVar aggregate classification (germline): Uncertain significance (1 of 4 stars; one submission).

Submission:

Labcorp Genetics (formerly Invitae), Labcorp
Classification: Uncertain significance. Last evaluated: 2022-06-20. Review status: criteria provided, single submitter. Criteria: Invitae Variant Classification Sherloc (09022015). Collection method: clinical testing. Allele origin: germline.
Comment: In summary, the available evidence is currently insufficient to determine the role of this variant in disease. Therefore, it has been classified as a Variant of Uncertain Significance. Algorithms developed to predict the effect of missense changes on protein structure and function are either unavailable or do not agree on the potential impact of this missense change (SIFT: "Deleterious"; PolyPhen-2: "Probably Damaging"; Align-GVGD: "Class C0"). This variant has not been reported in the literature in individuals affected with PRDM13-related conditions. This variant is not present in population databases (gnomAD no frequency). This sequence change replaces aspartic acid, which is acidic and polar, with tyrosine, which is neutral and polar, at codon 542 of the PRDM13 protein (p.Asp542Tyr).